The following is an entry in ClinVar:

NM_182914.3(SYNE2):c.11729A>T (p.Lys3910Ile)

Gene: SYNE2 (spectrin repeat containing nuclear envelope protein 2; plus strand). Cytogenetic location: 14q23.2.
Variant type: single nucleotide variant.
Coding change: c.11729A>T on transcript NM_182914.3 (MANE Select); coding-DNA position 11729, A replaced by T.
Protein change: p.Lys3910Ile; replaces lysine 3910 with isoleucine.
Molecular consequence: missense variant.
Genome position (GRCh38, 1-based): chr14:64,089,632, A>T. VCF-style: chr14-64089632-A-T. GRCh37 (hg19) VCF-style: chr14-64556350-A-T.
Other names: c.11729A>T (NM_182914.2); c.11729A>T, p.Lys3910Ile (NM_015180.6); short protein forms K3910I.
Identifiers: ClinVar variation 1047467 (VCV001047467.5), dbSNP rs142616444, ClinGen allele CA7221893.
Genomic context (GRCh38, chr14:64,089,632, plus strand): 5'-AGGATGTGGTTGCTATTGAATCTGAAGTAAAATCAATGGAAAAAAGAGTTTCAAAAATCA[A>T]AACTATCCTATTATCAAAAGAAATATTTGATTTTTCACCTGAAGAACATCTCAAACATGG-3'
Protein context (NP_878918.2, residues 3900-3920): KSMEKRVSKI[Lys3910Ile]TILLSKEIFD

ClinVar aggregate classification (germline): Uncertain significance. Review status: criteria provided, multiple submitters, no conflicts (2 of 4 stars). 2 submissions from 2 submitters: Uncertain significance (2). Last evaluated 2025-08-14.

Conditions:
Emery-Dreifuss muscular dystrophy 5, autosomal dominant (EDMD5). Also called: EMERY-DREIFUSS MUSCULAR DYSTROPHY 5. Identifiers: Orphanet 261, MedGen C2751805, MONDO:0013072, OMIM 612999.

Allele frequency attached by ClinVar (database versions not stated): TOPMed 0.00018; 1000 Genomes Project 30x 0.00047; 1000 Genomes Project 0.00060.
gnomAD v4.1: 56 of 1,606,098 alleles (0.0035%); highest among the groups gnomAD compares: African/African-American, 0.068%; no homozygotes.

Submissions (2):

Ambry Genetics
Classification: Uncertain significance. Last evaluated: 2025-08-14. Review status: criteria provided, single submitter. Criteria: Ambry Variant Classification Scheme 2023. Collection method: clinical testing. Allele origin: germline.

Labcorp Genetics (formerly Invitae), Labcorp
Classification: Uncertain significance for Emery-Dreifuss muscular dystrophy 5, autosomal dominant. Last evaluated: 2022-08-09. Review status: criteria provided, single submitter. Criteria: Invitae Variant Classification Sherloc (09022015). Collection method: clinical testing. Allele origin: germline.
Comment: This sequence change replaces lysine, which is basic and polar, with isoleucine, which is neutral and non-polar, at codon 3910 of the SYNE2 protein (p.Lys3910Ile). This variant is present in population databases (rs142616444, gnomAD 0.05%), and has an allele count higher than expected for a pathogenic variant. This variant has not been reported in the literature in individuals affected with SYNE2-related conditions. ClinVar contains an entry for this variant (Variation ID: 1047467). Algorithms developed to predict the effect of missense changes on protein structure and function are either unavailable or do not agree on the potential impact of this missense change (SIFT: "Deleterious"; PolyPhen-2: "Probably Damaging"; Align-GVGD: "Class C0"). In summary, the available evidence is currently insufficient to determine the role of this variant in disease. Therefore, it has been classified as a Variant of Uncertain Significance.